The following is an entry in ClinVar:

NM_001010892.3(RSPH4A):c.832C>T (p.Leu278Phe)

Gene: RSPH4A (radial spoke head component 4A; plus strand). Cytogenetic location: 6q22.1.
Variant type: single nucleotide variant.
Coding change: c.832C>T on transcript NM_001010892.3 (MANE Select); coding-DNA position 832, C replaced by T.
Protein change: p.Leu278Phe; replaces leucine 278 with phenylalanine.
Molecular consequence: missense variant.
Genome position (GRCh38, 1-based): chr6:116,622,913, C>T. VCF-style: chr6-116622913-C-T. GRCh37 (hg19) VCF-style: chr6-116944076-C-T.
Other names: c.832C>T, p.Leu278Phe (NM_001161664.2); short protein forms L278F.
Identifiers: ClinVar variation 2288696 (VCV002288696.3), dbSNP rs962694294, ClinGen allele CA145925516.

ClinVar aggregate classification (germline): Uncertain significance (1 of 4 stars; one submission).

Conditions:
Primary ciliary dyskinesia. Also called: Ciliary dyskinesia. Identifiers: Orphanet 244, MedGen C0008780, MONDO:0016575, HP:0012265.

Allele frequency attached by ClinVar (database versions not stated): gnomAD 0.00001; gnomAD exomes 0.00002; TOPMed 0.00002.
gnomAD v4.1: 36 of 1,613,680 alleles (0.0022%); highest among the groups gnomAD compares: Non-Finnish European, 0.003%; no homozygotes.

Submission:

Ambry Genetics
Classification: Uncertain significance for Primary ciliary dyskinesia. Last evaluated: 2024-08-25. Review status: criteria provided, single submitter. Criteria: Ambry Variant Classification Scheme 2023. Collection method: clinical testing. Allele origin: germline.
Comment: The p.L278F variant (also known as c.832C>T), located in coding exon 2 of the RSPH4A gene, results from a C to T substitution at nucleotide position 832. The leucine at codon 278 is replaced by phenylalanine, an amino acid with highly similar properties. This amino acid position is conserved. In addition, this alteration is predicted to be tolerated by in silico analysis. Based on the available evidence, the clinical significance of this variant remains unclear.